The following is an entry in ClinVar:

ClinVar aggregate classification (germline): Conflicting classifications of pathogenicity. Review status: criteria provided, conflicting classifications (1 of 4 stars). 4 submissions from 4 submitters: Uncertain significance (3); Likely benign (1). Last evaluated 2025-05-21.

Conditions:
Hereditary cancer-predisposing syndrome. Also called: Tumor predisposition; Hereditary Cancer Syndrome; Neoplastic Syndromes, Hereditary; Hereditary neoplastic syndrome. Identifiers: Orphanet 140162, MedGen C0027672, MeSH D009386, MONDO:0015356.
Hereditary breast ovarian cancer syndrome. Also called: Hereditary breast and ovarian cancer; Breast and ovarian cancer; Hereditary breast and/or ovarian cancer syndrome; Hereditary breast and ovarian cancer syndrome; BRCA1- and BRCA2-Associated Hereditary Breast and Ovarian Cancer; Hereditary breast and ovarian cancer syndrome (HBOC). Identifiers: Orphanet 145, MedGen C0677776, MeSH D061325, MONDO:0003582. Disease mechanism: loss of function.

Submissions (4):

Women's Health and Genetics/Laboratory Corporation of America, LabCorp
Classification: Uncertain significance. Last evaluated: 2025-05-21. Review status: criteria provided, single submitter. Criteria: LabCorp Variant Classification Summary - May 2015. Collection method: clinical testing. Allele origin: germline.

Ambry Genetics
Classification: Uncertain significance for Hereditary cancer-predisposing syndrome. Last evaluated: 2024-12-20. Review status: criteria provided, single submitter. Criteria: Ambry Variant Classification Scheme 2023. Collection method: clinical testing. Allele origin: germline.
Comment: The p.H1071D variant (also known as c.3211C>G), located in coding exon 10 of the BRCA2 gene, results from a C to G substitution at nucleotide position 3211. The histidine at codon 1071 is replaced by aspartic acid, an amino acid with similar properties. This amino acid position is poorly conserved in available vertebrate species. In addition, this alteration is predicted to be tolerated by in silico analysis. Since supporting evidence is limited at this time, the clinical significance of this alteration remains unclear.

Labcorp Genetics (formerly Invitae), Labcorp
Classification: Uncertain significance for Hereditary breast ovarian cancer syndrome. Last evaluated: 2024-06-06. Review status: criteria provided, single submitter. Criteria: Invitae Variant Classification Sherloc (09022015). Collection method: clinical testing. Allele origin: germline.
Comment: This sequence change replaces histidine, which is basic and polar, with aspartic acid, which is acidic and polar, at codon 1071 of the BRCA2 protein (p.His1071Asp). This variant is not present in population databases (gnomAD no frequency). This variant has not been reported in the literature in individuals affected with BRCA2-related conditions. ClinVar contains an entry for this variant (Variation ID: 823213). Advanced modeling of protein sequence and biophysical properties (such as structural, functional, and spatial information, amino acid conservation, physicochemical variation, residue mobility, and thermodynamic stability) performed at Invitae indicates that this missense variant is not expected to disrupt BRCA2 protein function with a negative predictive value of 95%. In summary, the available evidence is currently insufficient to determine the role of this variant in disease. Therefore, it has been classified as a Variant of Uncertain Significance.

University of Washington Department of Laboratory Medicine, University of Washington
Classification: Likely benign for Hereditary cancer-predisposing syndrome. Last evaluated: 2023-03-23. Review status: criteria provided, single submitter. Criteria: Dines et al. (Genet Med. 2020). Collection method: curation. Allele origin: germline.
Comment: Missense variant in a coldspot region where missense variants are very unlikely to be pathogenic (PMID:31911673).

BRCA2 exon 11 coldspot. Reclassification based on statistical prior probability.

NM_000059.4(BRCA2):c.3211C>G (p.His1071Asp)

Gene: BRCA2 (BRCA2 DNA repair associated; plus strand). Cytogenetic location: 13q13.1.
Variant type: single nucleotide variant.
Coding change: c.3211C>G on transcript NM_000059.4 (MANE Select); coding-DNA position 3211, C replaced by G.
Protein change: p.His1071Asp; replaces histidine 1071 with aspartic acid.
Molecular consequence: missense variant.
Genome position (GRCh38, 1-based): chr13:32,337,566, C>G. VCF-style: chr13-32337566-C-G. GRCh37 (hg19) VCF-style: chr13-32911703-C-G.
Other names: short protein forms H1071D.
Identifiers: ClinVar variation 823213 (VCV000823213.10), dbSNP rs80358564, ClinGen allele CA387775881.